The following is an entry in ClinVar:

ClinVar aggregate classification (germline): Uncertain significance (1 of 4 stars; one submission).

Allele frequency attached by ClinVar (database versions not stated): gnomAD exomes below 0.00001 and 0.00001; TOPMed below 0.00001.
gnomAD v4.1: 2 of 1,550,138 alleles (0.00013%); highest among the groups gnomAD compares: Admixed American, 0.0039%; no homozygotes.

Submission:

GeneDx
Classification: Uncertain significance. Last evaluated: 2017-03-02. Review status: criteria provided, single submitter. Criteria: GeneDx Variant Classification (06012015). Collection method: clinical testing. Allele origin: germline. Affected: yes.
Comment: A variant of uncertain significance has been identified in the ZNF469 gene. The P358S variant has not been published as pathogenic or been reported as benign to our knowledge. This variant is not observed in large population cohorts (Lek et al., 2016; 1000 Genomes Consortium et al., 2015; Exome Variant Server). The P358S variant is a non-conservative amino acid substitution, which is likely to impact secondary protein structure as these residues differ in polarity, charge, size and/or other properties. However, this substitution occurs at a position that is not conserved and where serine is present as the wild type in multiple species. Finally, in silico analysis suggests that this variant likely does not alter the protein structure/function.

NM_001367624.2(ZNF469):c.1072C>T (p.Pro358Ser)

Gene: ZNF469 (zinc finger protein 469; plus strand). Cytogenetic location: 16q24.2.
Variant type: single nucleotide variant.
Coding change: c.1072C>T on transcript NM_001367624.2 (MANE Select); coding-DNA position 1072, C replaced by T.
Protein change: p.Pro358Ser; replaces proline 358 with serine.
Molecular consequence: missense variant.
Genome position (GRCh38, 1-based): chr16:88,428,542, C>T. VCF-style: chr16-88428542-C-T. GRCh37 (hg19) VCF-style: chr16-88494950-C-T.
Other names: short protein forms P358S.
Identifiers: ClinVar variation 424079 (VCV000424079.1), dbSNP rs1064796784, ClinGen allele CA16620281.